The following is an entry in ClinVar:

NM_006231.4(POLE):c.3785G>A (p.Gly1262Glu)

Gene: POLE (DNA polymerase epsilon, catalytic subunit; minus strand). Cytogenetic location: 12q24.33.
Variant type: single nucleotide variant.
Coding change: c.3785G>A on transcript NM_006231.4 (MANE Select); coding-DNA position 3785, G replaced by A.
Protein change: p.Gly1262Glu; replaces glycine 1262 with glutamic acid.
Molecular consequence: missense variant.
Genome position (GRCh38, 1-based): chr12:132,649,687, C>T on the plus strand (G>A on the coding strand, the complement: POLE is on the minus strand). VCF-style: chr12-132649687-C-T. GRCh37 (hg19) VCF-style: chr12-133226273-C-T.
Other names: c.3785G>A (NM_006231.2); short protein forms G1262E.
Identifiers: ClinVar variation 1955436 (VCV001955436.6), dbSNP rs2042375548, ClinGen allele CA387385929.

ClinVar aggregate classification (germline): Uncertain significance. Review status: criteria provided, multiple submitters, no conflicts (2 of 4 stars). 2 submissions from 2 submitters: Uncertain significance (2). Last evaluated 2025-12-01.

Conditions:
Hereditary cancer-predisposing syndrome. Also called: Hereditary neoplastic syndrome; Tumor predisposition; Hereditary Cancer Syndrome; Neoplastic Syndromes, Hereditary. Identifiers: Orphanet 140162, MedGen C0027672, MeSH D009386, MONDO:0015356.

Submissions (2):

Ambry Genetics
Classification: Uncertain significance for Hereditary cancer-predisposing syndrome. Last evaluated: 2025-12-01. Review status: criteria provided, single submitter. Criteria: Ambry Variant Classification Scheme 2023. Collection method: clinical testing. Allele origin: germline.
Comment: The p.G1262E variant (also known as c.3785G>A), located in coding exon 30 of the POLE gene, results from a G to A substitution at nucleotide position 3785. The glycine at codon 1262 is replaced by glutamic acid, an amino acid with similar properties. This amino acid position is highly conserved in available vertebrate species. In addition, the in silico prediction for this alteration is inconclusive. Based on the available evidence, the clinical significance of this variant remains unclear.

Labcorp Genetics (formerly Invitae), Labcorp
Classification: Uncertain significance. Last evaluated: 2021-12-17. Review status: criteria provided, single submitter. Criteria: Invitae Variant Classification Sherloc (09022015). Collection method: clinical testing. Allele origin: germline.
Comment: In summary, the available evidence is currently insufficient to determine the role of this variant in disease. Therefore, it has been classified as a Variant of Uncertain Significance. This sequence change replaces glycine, which is neutral and non-polar, with glutamic acid, which is acidic and polar, at codon 1262 of the POLE protein (p.Gly1262Glu). This variant is not present in population databases (gnomAD no frequency). This variant has not been reported in the literature in individuals affected with POLE-related conditions. Algorithms developed to predict the effect of missense changes on protein structure and function are either unavailable or do not agree on the potential impact of this missense change (SIFT: "Tolerated"; PolyPhen-2: "Probably Damaging"; Align-GVGD: "Class C0").